The following is an entry in ClinVar:

ClinVar aggregate classification (germline): Uncertain significance. Review status: criteria provided, multiple submitters, no conflicts (2 of 4 stars). 2 submissions from 2 submitters: Uncertain significance (2). Last evaluated 2024-12-19.

Conditions:
Neurodevelopmental disorder with speech impairment and with or without seizures. Also called: Neurodevelopmental disorder with variable intellectual disability and speech impairment, with or without seizures. Identifiers: MedGen C5774252, MONDO:0859313, OMIM 620114.

Allele frequency attached by ClinVar (database versions not stated): gnomAD exomes 0.00001; gnomAD 0.00002; TOPMed 0.00003.
gnomAD v4.1: 21 of 1,456,866 alleles (0.0014%); highest among the groups gnomAD compares: African/African-American, 0.003%; no homozygotes.

Submissions (2):

Genomic Medicine Center of Excellence, King Faisal Specialist Hospital and Research Centre
Classification: Uncertain significance for Neurodevelopmental disorder with speech impairment and with or without seizures. Last evaluated: 2024-12-19. Review status: criteria provided, single submitter. Criteria: ACMG Guidelines, 2015. Collection method: clinical testing. Allele origin: germline.

CeGaT Center for Human Genetics Tuebingen
Classification: Uncertain significance. Last evaluated: 2023-10-01. Review status: criteria provided, single submitter. Criteria: CeGaT Center For Human Genetics Tuebingen Variant Classification Criteria Version 2. Collection method: clinical testing. Allele origin: germline. Affected: yes. Observed: 1 variant allele.
Comment: CACNA1I: PP2

NM_021096.4(CACNA1I):c.5350G>A (p.Asp1784Asn)

Gene: CACNA1I (calcium voltage-gated channel subunit alpha1 I; plus strand). Cytogenetic location: 22q13.1.
Variant type: single nucleotide variant.
Coding change: c.5350G>A on transcript NM_021096.4 (MANE Select); coding-DNA position 5350, G replaced by A.
Protein change: p.Asp1784Asn; replaces aspartic acid 1784 with asparagine.
Molecular consequence: missense variant.
Genome position (GRCh38, 1-based): chr22:39,679,401, G>A. VCF-style: chr22-39679401-G-A. GRCh37 (hg19) VCF-style: chr22-40075406-G-A.
Other names: c.5245G>A, p.Asp1749Asn (NM_001003406.2); short protein forms D1749N, D1784N.
Identifiers: ClinVar variation 2653163 (VCV002653163.25), dbSNP rs1163577432, ClinGen allele CA411636206.